The following is an entry in ClinVar:

NM_000260.4(MYO7A):c.2774T>G (p.Leu925Arg)

Gene: MYO7A (myosin VIIA; plus strand). Cytogenetic location: 11q13.5.
Variant type: single nucleotide variant.
Coding change: c.2774T>G on transcript NM_000260.4 (MANE Select); coding-DNA position 2774, T replaced by G.
Protein change: p.Leu925Arg; replaces leucine 925 with arginine.
Molecular consequence: missense variant.
Genome position (GRCh38, 1-based): chr11:77,181,459, T>G. VCF-style: chr11-77181459-T-G. GRCh37 (hg19) VCF-style: chr11-76892505-T-G.
Other names: c.2774T>G, p.Leu925Arg (NM_001127180.2); c.2741T>G, p.Leu914Arg (NM_001369365.1); short protein forms L925R, L914R.
Identifiers: ClinVar variation 3696730 (VCV003696730.2).

ClinVar aggregate classification (germline): Uncertain significance (1 of 4 stars; one submission).

Submission:

Labcorp Genetics (formerly Invitae), Labcorp
Classification: Uncertain significance. Last evaluated: 2024-06-23. Review status: criteria provided, single submitter. Criteria: Invitae Variant Classification Sherloc (09022015). Collection method: clinical testing. Allele origin: germline.
Comment: This sequence change replaces leucine, which is neutral and non-polar, with arginine, which is basic and polar, at codon 925 of the MYO7A protein (p.Leu925Arg). This variant is not present in population databases (gnomAD no frequency). This variant has not been reported in the literature in individuals affected with MYO7A-related conditions. Advanced modeling of protein sequence and biophysical properties (such as structural, functional, and spatial information, amino acid conservation, physicochemical variation, residue mobility, and thermodynamic stability) performed at Invitae indicates that this missense variant is not expected to disrupt MYO7A protein function with a negative predictive value of 95%. In summary, the available evidence is currently insufficient to determine the role of this variant in disease. Therefore, it has been classified as a Variant of Uncertain Significance.